The following is an entry in ClinVar:

ClinVar aggregate classification (germline): Pathogenic (1 of 4 stars; one submission).

Conditions:
Renal carnitine transport defect (CDSP). Also called: Systemic primary carnitine deficiency; Systemic primary carnitine deficiency disease; Carnitine transporter deficiency; CARNITINE DEFICIENCY, SYSTEMIC, DUE TO DEFECT IN RENAL REABSORPTION OF CARNITINE; Primary carnitine deficiency; CARNITINE TRANSPORTER, PLASMA-MEMBRANE, DEFICIENCY OF. Identifiers: Orphanet 158, MedGen C0342788, MONDO:0008919, OMIM 212140.

Submission:

Labcorp Genetics (formerly Invitae), Labcorp
Classification: Pathogenic for Renal carnitine transport defect. Last evaluated: 2023-05-22. Review status: criteria provided, single submitter. Criteria: Invitae Variant Classification Sherloc (09022015). Collection method: clinical testing. Allele origin: germline.
Comment: This sequence change creates a premature translational stop signal (p.Gln287Argfs*4) in the SLC22A5 gene. It is expected to result in an absent or disrupted protein product. Loss-of-function variants in SLC22A5 are known to be pathogenic (PMID: 9916797). For these reasons, this variant has been classified as Pathogenic. Algorithms developed to predict the effect of sequence changes on RNA splicing suggest that this variant may disrupt the consensus splice site. ClinVar contains an entry for this variant (Variation ID: 1398476). This variant has not been reported in the literature in individuals affected with SLC22A5-related conditions. This variant is not present in population databases (gnomAD no frequency).

Literature cited by the submitters: PubMed 9916797.

NM_003060.4(SLC22A5):c.860_861del (p.Gln287fs)

Gene: SLC22A5 (solute carrier family 22 member 5; plus strand). Cytogenetic location: 5q31.1.
Variant type: Deletion.
Coding change: c.860_861del on transcript NM_003060.4 (MANE Select); coding-DNA positions 860 to 861, 2 bases deleted (AG; older notation c.860_861delAG).
Protein change: p.Gln287fs; shifts the reading frame from glutamine 287.
Molecular consequence: frameshift variant.
Genome position (GRCh38, 1-based): chr5:132,387,060-132,387,061, AG deleted. VCF-style (leftmost placement, unchanged base first): chr5-132387059-CAG-C. GRCh37 (hg19) VCF-style: chr5-131722751-CAG-C.
Other names: c.932_933del, p.Gln311fs (NM_001308122.2); short protein forms Q287fs, Q311fs.
Identifiers: ClinVar variation 1398476 (VCV001398476.6), dbSNP rs2126786005, ClinGen allele CA2573138871.